The following is an entry in ClinVar:

ClinVar aggregate classification (germline): Uncertain significance (1 of 4 stars; one submission).

Conditions:
Left ventricular noncompaction 1 (LVNC1). Also called: LEFT VENTRICULAR NONCOMPACTION 1 WITH OR WITHOUT CONGENITAL HEART DEFECTS. Identifiers: Orphanet 54260, MedGen C1858725, MONDO:0011403, OMIM 604169.

Allele frequency attached by ClinVar (database versions not stated): TOPMed below 0.00001.

Submission:

Labcorp Genetics (formerly Invitae), Labcorp
Classification: Uncertain significance for Left ventricular noncompaction 1. Last evaluated: 2021-05-31. Review status: criteria provided, single submitter. Criteria: Invitae Variant Classification Sherloc (09022015). Collection method: clinical testing. Allele origin: germline.
Comment: This variant has not been reported in the literature in individuals with DTNA-related conditions. This variant is not present in population databases (ExAC no frequency). This sequence change creates a premature translational stop signal (p.Ser421*) in the DTNA gene. It is expected to result in an absent or disrupted protein product. However, the current clinical and genetic evidence is not sufficient to establish whether loss-of-function variants in DTNA cause disease. In summary, the available evidence is currently insufficient to determine the role of this variant in disease. Therefore, it has been classified as a Variant of Uncertain Significance.

NM_001386795.1(DTNA):c.1343C>A (p.Ser448Ter)

Gene: DTNA (dystrobrevin alpha; plus strand). Cytogenetic location: 18q12.1.
Variant type: single nucleotide variant.
Coding change: c.1343C>A on transcript NM_001386795.1 (MANE Select); coding-DNA position 1343, C replaced by A.
Protein change: p.Ser448Ter; replaces serine 448 with a stop codon.
Molecular consequence: nonsense. On other transcripts: intron variant (33).
Genome position (GRCh38, 1-based): chr18:34,838,834, C>A. VCF-style: chr18-34838834-C-A. GRCh37 (hg19) VCF-style: chr18-32418798-C-A.
Other names: c.389C>A, p.Ser130Ter (NM_001198942.1); c.1343C>A, p.Ser448Ter (NM_001386788.1); c.1262C>A, p.Ser421Ter (NM_001390.5, NM_001391.5); c.1253C>A, p.Ser418Ter (NM_032978.7); c.1095-9462C>A (NM_032975.4, NM_001386761.1, NM_001386762.1 and 1 more transcripts); c.1175+9345C>A (NM_001386754.1, NM_001386755.1, NM_001386760.1 and 5 more transcripts); c.1086-9462C>A (NM_001386763.1, NM_001386764.1, NM_001386768.1 and 13 more transcripts); c.604-12997C>A (NM_001198945.2); and 4 more; short protein forms S418*, S130*, S448*, S421*.
Identifiers: ClinVar variation 1352886 (VCV001352886.6), dbSNP rs2096209809, ClinGen allele CA402172399.